The following is an entry in ClinVar:

NM_005918.4(MDH2):c.680C>T (p.Thr227Ile)

Gene: MDH2 (malate dehydrogenase 2; plus strand). Cytogenetic location: 7q11.23.
Variant type: single nucleotide variant.
Coding change: c.680C>T on transcript NM_005918.4 (MANE Select); coding-DNA position 680, C replaced by T.
Protein change: p.Thr227Ile; replaces threonine 227 with isoleucine.
Molecular consequence: missense variant.
Genome position (GRCh38, 1-based): chr7:76,064,385, C>T. VCF-style: chr7-76064385-C-T. GRCh37 (hg19) VCF-style: chr7-75693703-C-T.
Other names: c.554C>T, p.Thr185Ile (NM_001282403.2); c.359C>T, p.Thr120Ile (NM_001282404.2); short protein forms T185I, T227I, T120I.
Identifiers: ClinVar variation 1755563 (VCV001755563.7), dbSNP rs556626575, ClinGen allele CA4305652.

ClinVar aggregate classification (germline): Uncertain significance. Review status: criteria provided, multiple submitters, no conflicts (2 of 4 stars). 2 submissions from 2 submitters: Uncertain significance (2). Last evaluated 2022-09-04.

Conditions:
Inborn genetic diseases. Identifiers: MedGen C0950123, MeSH D030342.

Allele frequency attached by ClinVar (database versions not stated): ExAC 0.00001; gnomAD 0.00001; gnomAD exomes 0.00001; 1000 Genomes Project 30x 0.00016; 1000 Genomes Project 0.00020.
gnomAD v4.1: 11 of 1,613,694 alleles (0.00068%); highest among the groups gnomAD compares: South Asian, 0.0099%; no homozygotes.

Submissions (2):

Ambry Genetics
Classification: Uncertain significance for Inborn genetic diseases. Last evaluated: 2022-09-04. Review status: criteria provided, single submitter. Criteria: Ambry Variant Classification Scheme 2023. Collection method: clinical testing. Allele origin: germline.
Comment: The p.T227I variant (also known as c.680C>T), located in coding exon 7 of the MDH2 gene, results from a C to T substitution at nucleotide position 680. The threonine at codon 227 is replaced by isoleucine, an amino acid with similar properties. This amino acid position is conserved. In addition, this alteration is predicted to be tolerated by in silico analysis. Since supporting evidence is limited at this time, the clinical significance of this alteration remains unclear.

Labcorp Genetics (formerly Invitae), Labcorp
Classification: Uncertain significance. Last evaluated: 2022-02-03. Review status: criteria provided, single submitter. Criteria: Invitae Variant Classification Sherloc (09022015). Collection method: clinical testing. Allele origin: germline.
Comment: In summary, the available evidence is currently insufficient to determine the role of this variant in disease. Therefore, it has been classified as a Variant of Uncertain Significance. Algorithms developed to predict the effect of missense changes on protein structure and function output the following: SIFT: "Tolerated"; PolyPhen-2: "Possibly Damaging"; Align-GVGD: "Class C0". The isoleucine amino acid residue is found in multiple mammalian species, which suggests that this missense change does not adversely affect protein function. This variant has not been reported in the literature in individuals affected with MDH2-related conditions. This variant is present in population databases (rs556626575, gnomAD 0.003%). This sequence change replaces threonine, which is neutral and polar, with isoleucine, which is neutral and non-polar, at codon 227 of the MDH2 protein (p.Thr227Ile).